The following is an entry in ClinVar:

NM_004336.5(BUB1):c.310G>T (p.Ala104Ser)

Gene: BUB1 (BUB1 mitotic checkpoint serine/threonine kinase; minus strand). Cytogenetic location: 2q13.
Variant type: single nucleotide variant.
Coding change: c.310G>T on transcript NM_004336.5 (MANE Select); coding-DNA position 310, G replaced by T.
Protein change: p.Ala104Ser; replaces alanine 104 with serine.
Molecular consequence: missense variant.
Genome position (GRCh38, 1-based): chr2:110,672,773, C>A on the plus strand (G>T on the coding strand, the complement: BUB1 is on the minus strand). VCF-style: chr2-110672773-C-A. GRCh37 (hg19) VCF-style: chr2-111430350-C-A.
Other names: c.250G>T, p.Ala84Ser (NM_001278616.2); c.310G>T, p.Ala104Ser (NM_001278617.2); short protein forms A84S, A104S.
Identifiers: ClinVar variation 1727737 (VCV001727737.2), dbSNP rs2104559439, ClinGen allele CA348220573.

ClinVar aggregate classification (germline): Uncertain significance (1 of 4 stars; one submission).

gnomAD v4.1: 2 of 1,614,060 alleles (0.00012%); highest among the groups gnomAD compares: Non-Finnish European, 0.000085%; no homozygotes.

Submission:

Ambry Genetics
Classification: Uncertain significance. Last evaluated: 2022-10-22. Review status: criteria provided, single submitter. Criteria: Ambry Variant Classification Scheme 2023. Collection method: clinical testing. Allele origin: germline.
Comment: The p.A104S variant (also known as c.310G>T), located in coding exon 4 of the BUB1 gene, results from a G to T substitution at nucleotide position 310. The alanine at codon 104 is replaced by serine, an amino acid with similar properties. This amino acid position is conserved. In addition, this alteration is predicted to be tolerated by in silico analysis. Since supporting evidence is limited at this time, the clinical significance of this alteration remains unclear.